The following is an entry in ClinVar:

ClinVar aggregate classification (germline): Uncertain significance. Review status: criteria provided, multiple submitters, no conflicts (2 of 4 stars). 2 submissions from 2 submitters: Uncertain significance (2). Last evaluated 2025-05-24.

Conditions:
Long QT syndrome (LQTS). Identifiers: MedGen C0023976, MeSH D008133, MONDO:0002442. Disease mechanism: loss of function. Inheritance: Various modes of inheritance.
Cardiovascular phenotype. Identifiers: MedGen CN230736.

Allele frequency attached by ClinVar (database versions not stated): gnomAD exomes below 0.00001; ExAC 0.00001; TOPMed 0.00001.
gnomAD v4.1: 3 of 1,614,062 alleles (0.00019%); highest among the groups gnomAD compares: Non-Finnish European, 0.00017%; no homozygotes.

Submissions (2):

Ambry Genetics
Classification: Uncertain significance for Cardiovascular phenotype. Last evaluated: 2025-05-24. Review status: criteria provided, single submitter. Criteria: Ambry Variant Classification Scheme 2023. Collection method: clinical testing. Allele origin: germline.
Comment: The p.K2132E variant (also known as c.6394A>G), located in coding exon 27 of the AKAP9 gene, results from an A to G substitution at nucleotide position 6394. The lysine at codon 2132 is replaced by glutamic acid, an amino acid with similar properties. This amino acid position is well conserved in available vertebrate species. In addition, this alteration is predicted to be tolerated by in silico analysis. Since supporting evidence is limited at this time, the clinical significance of this alteration remains unclear.

Labcorp Genetics (formerly Invitae), Labcorp
Classification: Uncertain significance for Long QT syndrome. Last evaluated: 2025-04-29. Review status: criteria provided, single submitter. Criteria: Invitae Variant Classification Sherloc (09022015). Collection method: clinical testing. Allele origin: germline.
Comment: This sequence change replaces lysine, which is basic and polar, with glutamic acid, which is acidic and polar, at codon 2132 of the AKAP9 protein (p.Lys2132Glu). This variant is present in population databases (rs752485780, gnomAD 0.007%). This variant has not been reported in the literature in individuals affected with AKAP9-related conditions. ClinVar contains an entry for this variant (Variation ID: 1753245). An algorithm developed to predict the effect of missense changes on protein structure and function (PolyPhen-2) suggests that this variant is likely to be disruptive. In summary, the available evidence is currently insufficient to determine the role of this variant in disease. Therefore, it has been classified as a Variant of Uncertain Significance.

NM_005751.5(AKAP9):c.6394A>G (p.Lys2132Glu)

Gene: AKAP9 (A-kinase anchoring protein 9; plus strand). Cytogenetic location: 7q21.2.
Variant type: single nucleotide variant.
Coding change: c.6394A>G on transcript NM_005751.5 (MANE Select); coding-DNA position 6394, A replaced by G.
Protein change: p.Lys2132Glu; replaces lysine 2132 with glutamic acid.
Molecular consequence: missense variant.
Genome position (GRCh38, 1-based): chr7:92,070,093, A>G. VCF-style: chr7-92070093-A-G. GRCh37 (hg19) VCF-style: chr7-91699407-A-G.
Other names: c.1039A>G, p.Lys347Glu (NM_001379277.1); c.6394A>G, p.Lys2132Glu (NM_147185.3); short protein forms K347E, K2132E.
Identifiers: ClinVar variation 1753245 (VCV001753245.8), dbSNP rs752485780, ClinGen allele CA4337073.